The following is an entry in ClinVar:

NM_000388.4(CASR):c.991C>T (p.Arg331Trp)

Gene: CASR (calcium sensing receptor; plus strand). Cytogenetic location: 3q21.1.
Variant type: single nucleotide variant.
Coding change: c.991C>T on transcript NM_000388.4 (MANE Select); coding-DNA position 991, C replaced by T.
Protein change: p.Arg331Trp; replaces arginine 331 with tryptophan.
Molecular consequence: missense variant.
Genome position (GRCh38, 1-based): chr3:122,262,026, C>T. VCF-style: chr3-122262026-C-T. GRCh37 (hg19) VCF-style: chr3-121980873-C-T.
Other names: c.991C>T, p.Arg331Trp (NM_001178065.2); short protein forms R331W.
Identifiers: ClinVar variation 847542 (VCV000847542.14), dbSNP rs2074632178, ClinGen allele CA354151985.
Genomic context (GRCh38, chr3:122,262,026, plus strand): 5'-TTCCACGTGGTTGGCGGCACCATTGGATTCGCTCTGAAGGCTGGGCAGATCCCAGGCTTC[C>T]GGGAATTCCTGAAGAAGGTCCATCCCAGGAAGTCTGTCCACAATGGTTTTGCCAAGGAGT-3'
Protein context (NP_000379.3, residues 321-341): ALKAGQIPGF[Arg331Trp]EFLKKVHPRK

ClinVar aggregate classification (germline): Uncertain significance. Review status: criteria provided, multiple submitters, no conflicts (2 of 4 stars). 4 submissions from 4 submitters: Uncertain significance (4). Last evaluated 2025-09-14.

Conditions:
Nephrolithiasis/nephrocalcinosis. Identifiers: MedGen CN580796.
Neonatal severe primary hyperparathyroidism. Identifiers: Orphanet 417, MedGen C1832615, MONDO:0009397, OMIM 239200.
Epilepsy, idiopathic generalized, susceptibility to, 8. Identifiers: MedGen C2752062, MONDO:0013032, OMIM 612899.
Autosomal dominant hypocalcemia 1 (HYPOC1). Also called: HYPOCALCEMIA, FAMILIAL. Identifiers: MedGen C3715128, MONDO:0011013, OMIM 601198.
Familial hypocalciuric hypercalcemia 1. Also called: Hypercalcemia, familial benign type 1. Identifiers: Orphanet 405, Orphanet 93372, MedGen C0342637, MONDO:0007791, OMIM 145980.
Familial hypocalciuric hypercalcemia (FHH). Also called: Familial benign hypercalcemia. Identifiers: Orphanet 405, MedGen C1809471, MONDO:0018458.

Allele frequency attached by ClinVar (database versions not stated): gnomAD exomes below 0.00001; TOPMed below 0.00001.
gnomAD v4.1: 1 of 1,614,156 alleles (0.000062%); highest among the groups gnomAD compares: South Asian, 0.0011%; no homozygotes.

Submissions (4):

Labcorp Genetics (formerly Invitae), Labcorp
Classification: Uncertain significance for Familial hypocalciuric hypercalcemia; Autosomal dominant hypocalcemia 1. Last evaluated: 2025-09-14. Review status: criteria provided, single submitter. Criteria: Invitae Variant Classification Sherloc (09022015). Collection method: clinical testing. Allele origin: germline.
Comment: This sequence change replaces arginine, which is basic and polar, with tryptophan, which is neutral and slightly polar, at codon 331 of the CASR protein (p.Arg331Trp). This variant is not present in population databases (gnomAD no frequency). This variant has not been reported in the literature in individuals affected with CASR-related conditions. ClinVar contains an entry for this variant (Variation ID: 847542). An algorithm developed to predict the effect of missense changes on protein structure and function (PolyPhen-2) suggests that this variant is likely to be disruptive. In summary, the available evidence is currently insufficient to determine the role of this variant in disease. Therefore, it has been classified as a Variant of Uncertain Significance.

Fulgent Genetics
Classification: Uncertain significance for Familial hypocalciuric hypercalcemia 1; Neonatal severe primary hyperparathyroidism; Autosomal dominant hypocalcemia 1; Epilepsy, idiopathic generalized, susceptibility to, 8. Last evaluated: 2024-03-19. Review status: criteria provided, single submitter. Criteria: ACMG Guidelines, 2015. Collection method: clinical testing. Allele origin: germline.

Blueprint Genetics
Classification: Uncertain significance. Last evaluated: 2024-02-06. Review status: criteria provided, single submitter. Criteria: ACMG Guidelines, 2015. Collection method: clinical testing. Allele origin: germline.

Ambry Genetics
Classification: Uncertain significance for Nephrolithiasis/nephrocalcinosis. Last evaluated: 2022-02-28. Review status: criteria provided, single submitter. Criteria: Ambry Variant Classification Scheme 2023. Collection method: clinical testing. Allele origin: germline.
Comment: The p.R331W variant (also known as c.991C>T), located in coding exon 3 of the CASR gene, results from a C to T substitution at nucleotide position 991. The arginine at codon 331 is replaced by tryptophan, an amino acid with dissimilar properties. This amino acid position is conserved. In addition, this alteration is predicted to be deleterious by in silico analysis. Since supporting evidence is limited at this time, the clinical significance of this alteration remains unclear.